The following is an entry in ClinVar:

NM_001283009.2(RTEL1):c.1701G>T (p.Glu567Asp)

Genes: RTEL1 (regulator of telomere elongation helicase 1; plus strand), RTEL1-TNFRSF6B (RTEL1-TNFRSF6B readthrough (NMD candidate); plus strand). Cytogenetic location: 20q13.33.
Variant type: single nucleotide variant.
Coding change: c.1701G>T on transcript NM_001283009.2 (MANE Select); coding-DNA position 1701, G replaced by T.
Protein change: p.Glu567Asp; replaces glutamic acid 567 with aspartic acid.
Molecular consequence: missense variant. On other transcripts: non-coding transcript variant (1).
Genome position (GRCh38, 1-based): chr20:63,688,365, G>T. VCF-style: chr20-63688365-G-T. GRCh37 (hg19) VCF-style: chr20-62319718-G-T.
Other names: c.1032G>T, p.Glu344Asp (NM_001283010.1); c.1701G>T, p.Glu567Asp (NM_016434.4); c.1773G>T, p.Glu591Asp (NM_032957.5); short protein forms E344D, E567D, E591D.
Identifiers: ClinVar variation 3948456 (VCV003948456.1).

ClinVar aggregate classification (germline): Uncertain significance (1 of 4 stars; one submission).

Conditions:
Inborn genetic diseases. Identifiers: MedGen C0950123, MeSH D030342.

gnomAD v4.1: 1 of 1,612,464 alleles (0.000062%); highest among the groups gnomAD compares: Non-Finnish European, 0.000085%; no homozygotes.

Submission:

Ambry Genetics
Classification: Uncertain significance for Inborn genetic diseases. Last evaluated: 2025-06-06. Review status: criteria provided, single submitter. Criteria: Ambry Variant Classification Scheme 2023. Collection method: clinical testing. Allele origin: germline.
Comment: The p.E567D variant (also known as c.1701G>T), located in coding exon 19 of the RTEL1 gene, results from a G to T substitution at nucleotide position 1701. The glutamic acid at codon 567 is replaced by aspartic acid, an amino acid with highly similar properties. This amino acid position is conserved. In addition, this alteration is predicted to be tolerated by in silico analysis. Based on the available evidence, the clinical significance of this variant remains unclear.